The following is an entry in ClinVar:

ClinVar aggregate classification (germline): Uncertain significance (1 of 4 stars; one submission).

Conditions:
Progressive myoclonic epilepsy type 9. Identifiers: Orphanet 457265, MedGen C4225289, MONDO:0014685, OMIM 616540.
Lipodystrophy, partial, acquired, susceptibility to (APLD). Also called: APLD, SUSCEPTIBILITY TO. Identifiers: MedGen C3887501, MONDO:0100476, OMIM 608709.

Submission:

Labcorp Genetics (formerly Invitae), Labcorp
Classification: Uncertain significance for Progressive myoclonic epilepsy type 9; Lipodystrophy, partial, acquired, susceptibility to. Last evaluated: 2024-04-02. Review status: criteria provided, single submitter. Criteria: Invitae Variant Classification Sherloc (09022015). Collection method: clinical testing. Allele origin: germline.
Comment: This sequence change replaces alanine, which is neutral and non-polar, with threonine, which is neutral and polar, at codon 539 of the LMNB2 protein (p.Ala539Thr). This variant is not present in population databases (gnomAD no frequency). This variant has not been reported in the literature in individuals affected with LMNB2-related conditions. Advanced modeling of protein sequence and biophysical properties (such as structural, functional, and spatial information, amino acid conservation, physicochemical variation, residue mobility, and thermodynamic stability) performed at Invitae indicates that this missense variant is not expected to disrupt LMNB2 protein function with a negative predictive value of 80%. In summary, the available evidence is currently insufficient to determine the role of this variant in disease. Therefore, it has been classified as a Variant of Uncertain Significance.

NM_032737.4(LMNB2):c.1615G>A (p.Ala539Thr)

Gene: LMNB2 (lamin B2; minus strand). Cytogenetic location: 19p13.3.
Variant type: single nucleotide variant.
Coding change: c.1615G>A on transcript NM_032737.4 (MANE Select); coding-DNA position 1615, G replaced by A.
Protein change: p.Ala539Thr; replaces alanine 539 with threonine.
Molecular consequence: missense variant.
Genome position (GRCh38, 1-based): chr19:2,431,878, C>T on the plus strand (G>A on the coding strand, the complement: LMNB2 is on the minus strand). VCF-style: chr19-2431878-C-T. GRCh37 (hg19) VCF-style: chr19-2431876-C-T.
Other names: short protein forms A539T.
Identifiers: ClinVar variation 3750644 (VCV003750644.2).